The following is an entry in ClinVar:

ClinVar aggregate classification (germline): Uncertain significance (1 of 4 stars; one submission).

Submission:

Labcorp Genetics (formerly Invitae), Labcorp
Classification: Uncertain significance. Last evaluated: 2022-01-18. Review status: criteria provided, single submitter. Criteria: Invitae Variant Classification Sherloc (09022015). Collection method: clinical testing. Allele origin: germline.
Comment: This sequence change replaces glutamine, which is neutral and polar, with arginine, which is basic and polar, at codon 84 of the COL9A1 protein (p.Gln84Arg). This variant is not present in population databases (gnomAD no frequency). This variant has not been reported in the literature in individuals affected with COL9A1-related conditions. Advanced modeling of protein sequence and biophysical properties (such as structural, functional, and spatial information, amino acid conservation, physicochemical variation, residue mobility, and thermodynamic stability) performed at Invitae indicates that this missense variant is not expected to disrupt COL9A1 protein function. In summary, the available evidence is currently insufficient to determine the role of this variant in disease. Therefore, it has been classified as a Variant of Uncertain Significance.

NM_001851.6(COL9A1):c.251A>G (p.Gln84Arg)

Gene: COL9A1 (collagen type IX alpha 1 chain; minus strand). Cytogenetic location: 6q13.
Variant type: single nucleotide variant.
Coding change: c.251A>G on transcript NM_001851.6 (MANE Select); coding-DNA position 251, A replaced by G.
Protein change: p.Gln84Arg; replaces glutamine 84 with arginine.
Molecular consequence: missense variant.
Genome position (GRCh38, 1-based): chr6:70,300,091, T>C on the plus strand (A>G on the coding strand, the complement: COL9A1 is on the minus strand). VCF-style: chr6-70300091-T-C. GRCh37 (hg19) VCF-style: chr6-71009794-T-C.
Other names: c.251A>G, p.Gln84Arg (NM_001377291.1); short protein forms Q84R.
Identifiers: ClinVar variation 1972281 (VCV001972281.2), dbSNP rs1386751621, ClinGen allele CA364674337.
Genomic context (GRCh38, chr6:70,300,091, plus strand): 5'-TTGATAGATTACCTAGTTGGAATCCTGAAGTCTACATTATTTCCCAACTTGTAAGCCACC[T>C]GCAATGTAGCTGATCCCACTACTCTCTGGATAGCTCTTCTAGATGCTGCTTTATCTACCT-3'
Protein context (NP_001842.3, residues 74-94): IQRVVGSATL[Gln84Arg]VAYKLGNNVD